The following is an entry in ClinVar:

ClinVar aggregate classification (germline): Uncertain significance (1 of 4 stars; one submission).

Submission:

Labcorp Genetics (formerly Invitae), Labcorp
Classification: Uncertain significance. Last evaluated: 2022-10-10. Review status: criteria provided, single submitter. Criteria: Invitae Variant Classification Sherloc (09022015). Collection method: clinical testing. Allele origin: germline.
Comment: In summary, the available evidence is currently insufficient to determine the role of this variant in disease. Therefore, it has been classified as a Variant of Uncertain Significance. Algorithms developed to predict the effect of missense changes on protein structure and function are either unavailable or do not agree on the potential impact of this missense change (SIFT: "Deleterious"; PolyPhen-2: "Possibly Damaging"; Align-GVGD: "Class C0"). This variant has not been reported in the literature in individuals affected with ARHGAP31-related conditions. This sequence change replaces aspartic acid, which is acidic and polar, with tyrosine, which is neutral and polar, at codon 925 of the ARHGAP31 protein (p.Asp925Tyr). This variant is not present in population databases (gnomAD no frequency).

NM_020754.4(ARHGAP31):c.2773G>T (p.Asp925Tyr)

Gene: ARHGAP31 (Rho GTPase activating protein 31; plus strand). Cytogenetic location: 3q13.33.
Variant type: single nucleotide variant.
Coding change: c.2773G>T on transcript NM_020754.4 (MANE Select); coding-DNA position 2773, G replaced by T.
Protein change: p.Asp925Tyr; replaces aspartic acid 925 with tyrosine.
Molecular consequence: missense variant.
Genome position (GRCh38, 1-based): chr3:119,414,702, G>T. VCF-style: chr3-119414702-G-T. GRCh37 (hg19) VCF-style: chr3-119133549-G-T.
Other names: short protein forms D925Y.
Identifiers: ClinVar variation 1897595 (VCV001897595.5), dbSNP rs897616575, ClinGen allele CA81697899.